The following is an entry in ClinVar:

ClinVar aggregate classification (germline): Uncertain significance. Review status: criteria provided, multiple submitters, no conflicts (2 of 4 stars). 3 submissions from 3 submitters: Uncertain significance (3). Last evaluated 2026-01-10.

Conditions:
Hereditary cancer-predisposing syndrome. Also called: Tumor predisposition; Hereditary Cancer Syndrome; Hereditary neoplastic syndrome; Neoplastic Syndromes, Hereditary. Identifiers: Orphanet 140162, MedGen C0027672, MeSH D009386, MONDO:0015356.
Cardiovascular phenotype. Identifiers: MedGen CN230736.

Allele frequency attached by ClinVar (database versions not stated): ExAC 0.00001; gnomAD exomes 0.00001; TOPMed 0.00002; gnomAD 0.00003.
gnomAD v4.1: 15 of 1,603,072 alleles (0.00094%); highest among the groups gnomAD compares: African/African-American, 0.004%; no homozygotes.

Submissions (3):

Labcorp Genetics (formerly Invitae), Labcorp
Classification: Uncertain significance. Last evaluated: 2026-01-10. Review status: criteria provided, single submitter. Criteria: Invitae Variant Classification Sherloc (09022015). Collection method: clinical testing. Allele origin: germline.
Comment: This sequence change replaces glutamic acid, which is acidic and polar, with lysine, which is basic and polar, at codon 517 of the LZTR1 protein (p.Glu517Lys). This variant is present in population databases (rs748528782, gnomAD 0.01%). This variant has not been reported in the literature in individuals affected with LZTR1-related conditions. ClinVar contains an entry for this variant (Variation ID: 1482500). Invitae Evidence Modeling of protein sequence and biophysical properties (such as structural, functional, and spatial information, amino acid conservation, physicochemical variation, residue mobility, and thermodynamic stability) indicates that this missense variant is not expected to disrupt LZTR1 protein function with a negative predictive value of 80%. In summary, the available evidence is currently insufficient to determine the role of this variant in disease. Therefore, it has been classified as a Variant of Uncertain Significance.

Ambry Genetics
Classification: Uncertain significance for Cardiovascular phenotype; Hereditary cancer-predisposing syndrome. Last evaluated: 2025-03-10. Review status: criteria provided, single submitter. Criteria: Ambry Variant Classification Scheme 2023. Collection method: clinical testing. Allele origin: germline.
Comment: The p.E517K variant (also known as c.1549G>A), located in coding exon 14 of the LZTR1 gene, results from a G to A substitution at nucleotide position 1549. The glutamic acid at codon 517 is replaced by lysine, an amino acid with similar properties. This amino acid position is well conserved in available vertebrate species. In addition, the in silico prediction for this alteration is inconclusive. Based on the available evidence, the clinical significance of this variant remains unclear.

Mayo Clinic Laboratories, Mayo Clinic
Classification: Uncertain significance. Last evaluated: 2023-08-18. Review status: criteria provided, single submitter. Criteria: ACMG Guidelines, 2015. Collection method: clinical testing. Allele origin: germline. Observed: 1 variant allele.

NM_006767.4(LZTR1):c.1549G>A (p.Glu517Lys)

Gene: LZTR1 (leucine zipper like post translational regulator 1; plus strand). Cytogenetic location: 22q11.21.
Variant type: single nucleotide variant.
Coding change: c.1549G>A on transcript NM_006767.4 (MANE Select); coding-DNA position 1549, G replaced by A.
Protein change: p.Glu517Lys; replaces glutamic acid 517 with lysine.
Molecular consequence: missense variant.
Genome position (GRCh38, 1-based): chr22:20,994,203, G>A. VCF-style: chr22-20994203-G-A. GRCh37 (hg19) VCF-style: chr22-21348492-G-A.
Other names: p.Glu517Lys; short protein forms E517K.
Identifiers: ClinVar variation 1482500 (VCV001482500.11), dbSNP rs748528782, ClinGen allele CA10118938.